The following is an entry in ClinVar:

ClinVar aggregate classification (germline): Uncertain significance. Review status: criteria provided, multiple submitters, no conflicts (2 of 4 stars). 4 submissions from 4 submitters: Uncertain significance (4). Last evaluated 2024-04-30.

Conditions:
Ehlers-Danlos syndrome, type 4 (EDSVASC). Also called: Ehlers-Danlos Syndrome Type IV; Ehlers-Danlos syndrome vascular type; Ehlers Danlos syndrome, ecchymotic type; Ehlers Danlos syndrome, arterial type; Ehlers Danlos syndrome, Sack-Barabas type. Identifiers: Orphanet 286, MedGen C0268338, MONDO:0017314, OMIM 130050.
Familial thoracic aortic aneurysm and aortic dissection (TAAD). Also called: Thoracic aortic aneurysms and dissections. Identifiers: Orphanet 91387, MedGen C4707243, MONDO:0019625.

Allele frequency attached by ClinVar (database versions not stated): TOPMed below 0.00001; gnomAD 0.00001.
gnomAD v4.1: 6 of 1,551,214 alleles (0.00039%); highest among the groups gnomAD compares: Non-Finnish European, 0.00052%; no homozygotes.

Submissions (4):

GeneDx
Classification: Uncertain significance. Last evaluated: 2024-04-30. Review status: criteria provided, single submitter. Criteria: GeneDx Variant Classification Process June 2021. Collection method: clinical testing. Allele origin: germline. Affected: yes.
Comment: Has not been previously published as pathogenic or benign to our knowledge; Not observed at significant frequency in large population cohorts (gnomAD); Occurs in the triple helical domain at the X position in the canonical Gly-X-Y repeat; although this variant may have an effect on normal protein folding and function, missense substitution at the X position is not a common mechanism of disease (HGMD); In silico analysis supports that this missense variant has a deleterious effect on protein structure/function

Color Diagnostics, LLC DBA Color Health
Classification: Uncertain significance for Familial thoracic aortic aneurysm and aortic dissection. Last evaluated: 2024-03-06. Review status: criteria provided, single submitter. Criteria: ACMG Guidelines, 2015. Collection method: clinical testing. Allele origin: germline.
Comment: This missense variant replaces proline with leucine at codon 844 of the COL3A1 protein. Computational prediction is inconclusive regarding the impact of this variant on protein structure and function (internally defined REVEL score threshold 0.5 < inconclusive < 0.7, PMID: 27666373). To our knowledge, functional studies have not been reported for this variant. This variant has not been reported in individuals affected with COL3A1-related disorders in the literature. This variant has not been identified in the general population by the Genome Aggregation Database (gnomAD). The available evidence is insufficient to determine the role of this variant in disease conclusively. Therefore, this variant is classified as a Variant of Uncertain Significance.

All of Us Research Program, National Institutes of Health
Classification: Uncertain significance for Ehlers-Danlos syndrome, type 4. Last evaluated: 2024-03-05. Review status: criteria provided, single submitter. Criteria: ACMG Guidelines, 2015. Collection method: clinical testing. Allele origin: germline. Inheritance: Autosomal dominant inheritance. Observed: 3 variant alleles, 3 heterozygotes.
Comment: This missense variant replaces proline with leucine at codon 844 of the COL3A1 protein. Computational prediction is inconclusive regarding the impact of this variant on protein structure and function (internally defined REVEL score threshold 0.5 < inconclusive < 0.7, PMID: 27666373). To our knowledge, functional studies have not been reported for this variant. This variant has not been reported in individuals affected with cardiovascular disorders in the literature. This variant has not been identified in the general population by the Genome Aggregation Database (gnomAD). The available evidence is insufficient to determine the role of this variant in disease conclusively. Therefore, this variant is classified as a Variant of Uncertain Significance.

This study involves interpretation of variants in research participants for the purpose of population health screening. Participant phenotype was not available at the time of variant classification. Additional details can be found in publication PMID: 35346344, PMCID: PMC8962531

Labcorp Genetics (formerly Invitae), Labcorp
Classification: Uncertain significance for Ehlers-Danlos syndrome, type 4. Last evaluated: 2024-01-17. Review status: criteria provided, single submitter. Criteria: Invitae Variant Classification Sherloc (09022015). Collection method: clinical testing. Allele origin: germline.
Comment: This sequence change replaces proline, which is neutral and non-polar, with leucine, which is neutral and non-polar, at codon 844 of the COL3A1 protein (p.Pro844Leu). This variant is not present in population databases (gnomAD no frequency). This variant has not been reported in the literature in individuals affected with COL3A1-related conditions. ClinVar contains an entry for this variant (Variation ID: 923589). Advanced modeling of protein sequence and biophysical properties (such as structural, functional, and spatial information, amino acid conservation, physicochemical variation, residue mobility, and thermodynamic stability) performed at Invitae indicates that this missense variant is not expected to disrupt COL3A1 protein function with a negative predictive value of 95%. In summary, the available evidence is currently insufficient to determine the role of this variant in disease. Therefore, it has been classified as a Variant of Uncertain Significance.

NM_000090.4(COL3A1):c.2531C>T (p.Pro844Leu)

Gene: COL3A1 (collagen type III alpha 1 chain; plus strand). Cytogenetic location: 2q32.2.
Variant type: single nucleotide variant.
Coding change: c.2531C>T on transcript NM_000090.4 (MANE Select); coding-DNA position 2531, C replaced by T.
Protein change: p.Pro844Leu; replaces proline 844 with leucine.
Molecular consequence: missense variant.
Genome position (GRCh38, 1-based): chr2:189,003,040, C>T. VCF-style: chr2-189003040-C-T. GRCh37 (hg19) VCF-style: chr2-189867766-C-T.
Other names: short protein forms P844L.
Identifiers: ClinVar variation 923589 (VCV000923589.12), dbSNP rs943287668, ClinGen allele CA62556378.